The following is an entry in ClinVar:

ClinVar aggregate classification (germline): Likely pathogenic (1 of 4 stars; one submission).

Conditions:
Menkes kinky-hair syndrome (MNK). Also called: Copper transport disease; Classic Menkes Disease; Menkes Disease. Identifiers: Orphanet 565, MedGen C0022716, MONDO:0010651, OMIM 309400.

Submission:

Myriad Genetics, Inc.
Classification: Likely pathogenic for Menkes kinky-hair syndrome. Last evaluated: 2021-12-30. Review status: criteria provided, single submitter. Criteria: Myriad Autosomal Dominant, Autosomal Recessive and X-Linked Classification Criteria (2023). Collection method: clinical testing. Allele origin: unknown.
Comment: NM_000052.5(ATP7A):c.3518_3519delTT(L1173Qfs*6) is expected to be pathogenic in the context of ATP7A-related disorders. This variant is predicted to lead to an abnormal or absent protein product due to the creation of a premature termination codon in ATP7A, a gene where loss-of-function variants are known to be pathogenic. Please note: this variant was assessed in the context of healthy population screening.

NM_000052.7(ATP7A):c.3518_3519del (p.Leu1173fs)

Gene: ATP7A (ATPase copper transporting alpha; plus strand). Cytogenetic location: Xq21.1.
Variant type: Deletion.
Coding change: c.3518_3519del on transcript NM_000052.7 (MANE Select); coding-DNA positions 3518 to 3519, 2 bases deleted (TT; older notation c.3518_3519delTT).
Protein change: p.Leu1173fs; shifts the reading frame from leucine 1173.
Molecular consequence: frameshift variant. On other transcripts: non-coding transcript variant (1).
Genome position (GRCh38, 1-based): chrX:78,038,842-78,038,843, TT deleted. VCF-style (leftmost placement, unchanged base first): chrX-78038841-CTT-C. GRCh37 (hg19) VCF-style: chrX-77294339-CTT-C.
Other names: c.3284_3285del, p.Leu1095fs (NM_001282224.2); short protein forms L1095fs, L1173fs.
Identifiers: ClinVar variation 1726694 (VCV001726694.3), dbSNP rs2522410521, ClinGen allele CA2580101984.